The following is an entry in ClinVar:

ClinVar aggregate classification (germline): Likely benign. Review status: criteria provided, multiple submitters, no conflicts (2 of 4 stars). 5 submissions from 5 submitters: Likely benign (4). 1 of the submissions does not count toward it. Last evaluated 2026-01-20.

Conditions:
RTEL1-related disorder. Also called: RTEL1-related condition; RTEL1-related disorders.
Pulmonary fibrosis and/or bone marrow failure, Telomere-related, 3. Also called: PULMONARY FIBROSIS AND/OR BONE MARROW FAILURE SYNDROME, TELOMERE-RELATED, 3. Identifiers: Orphanet 2032, MedGen C4225346, MONDO:0014613, OMIM 616373.
Dyskeratosis congenita, autosomal recessive 5 (DKCB5). Identifiers: MedGen C3554656, MONDO:0014076, OMIM 615190.

Allele frequency attached by ClinVar (database versions not stated): ExAC 0.00014; gnomAD exomes 0.00015; gnomAD 0.00024 and 0.00025; TOPMed 0.00024; ESP Exome Variant Server 0.00031.
gnomAD v4.1: 539 of 1,610,896 alleles (0.033%); highest among the groups gnomAD compares: Non-Finnish European, 0.044%; no homozygotes.

Submissions (5):

Labcorp Genetics (formerly Invitae), Labcorp
Classification: Likely benign for Dyskeratosis congenita, autosomal recessive 5; Pulmonary fibrosis and/or bone marrow failure, Telomere-related, 3. Last evaluated: 2026-01-20. Review status: criteria provided, single submitter. Criteria: Invitae Variant Classification Sherloc (09022015). Collection method: clinical testing. Allele origin: germline.

CeGaT Center for Human Genetics Tuebingen
Classification: Likely benign. Last evaluated: 2025-11-01. Review status: criteria provided, single submitter. Criteria: CeGaT Center For Human Genetics Tuebingen Variant Classification Criteria Version 2. Collection method: clinical testing. Allele origin: germline. Affected: yes. Observed: 1 variant allele.
Comment: RTEL1: BP4

Laboratory of Genetics, Children's Clinical University Hospital Latvia
Classification: Likely benign. Last evaluated: 2025-02-16. Review status: criteria provided, single submitter. Criteria: ACMG Guidelines, 2015. Collection method: clinical testing. Allele origin: germline. Affected: yes.

Blueprint Genetics
Classification: Likely benign. Last evaluated: 2024-10-15. Review status: criteria provided, single submitter. Criteria: ACMG Guidelines, 2015. Collection method: clinical testing. Allele origin: germline.

PreventionGenetics, part of Exact Sciences
Classification: Likely benign for RTEL1-related condition. Last evaluated: 2020-02-26. Review status: no assertion criteria provided. Collection method: clinical testing. Allele origin: germline. Not counted in ClinVar's aggregate classification.
Comment: This variant is classified as likely benign based on ACMG/AMP sequence variant interpretation guidelines (Richards et al. 2015 PMID: 25741868, with internal and published modifications).

NM_001283009.2(RTEL1):c.3822+8C>T

Genes: RTEL1 (regulator of telomere elongation helicase 1; plus strand), RTEL1-TNFRSF6B (RTEL1-TNFRSF6B readthrough (NMD candidate); plus strand). Cytogenetic location: 20q13.33.
Variant type: single nucleotide variant.
Coding change: c.3822+8C>T on transcript NM_001283009.2 (MANE Select); 8 bases into the intron after coding-DNA position 3822, C replaced by T.
Molecular consequence: intron variant.
Genome position (GRCh38, 1-based): chr20:63,695,658, C>T. VCF-style: chr20-63695658-C-T. GRCh37 (hg19) VCF-style: chr20-62327011-C-T.
Other names: c.2984-120C>T (NM_001283010.1); c.3725-120C>T (NM_032957.5); c.3653-120C>T (NM_016434.4).
Identifiers: ClinVar variation 540955 (VCV000540955.23), dbSNP rs373109673, ClinGen allele CA9966192.